The following is an entry in ClinVar:

ClinVar aggregate classification (germline): Uncertain significance. Review status: criteria provided, multiple submitters, no conflicts (2 of 4 stars). 2 submissions from 2 submitters: Uncertain significance (2). Last evaluated 2023-06-13.

Conditions:
Neurodevelopmental disorder with severe motor impairment and absent language. Also called: NEURODEVELOPMENTAL DISORDER WITH VARIABLE MOTOR AND LANGUAGE IMPAIRMENT. Identifiers: Orphanet 647788, MedGen C4540496, MONDO:0060622, OMIM 617804.

Submissions (2):

Institute of Human Genetics, University of Leipzig Medical Center
Classification: Uncertain significance for Neurodevelopmental disorder with severe motor impairment and absent language. Last evaluated: 2023-06-13. Review status: criteria provided, single submitter. Criteria: ACMG Guidelines, 2015. Collection method: clinical testing. Allele origin: unknown. Inheritance: Autosomal unknown. Affected: yes.
Comment: Criteria applied: PM1,PM2_SUP,PP3

Institute for Medical Genetics and Human Genetics, Charité - Universitätsmedizin Berlin
Classification: Uncertain significance for Neurodevelopmental disorder with severe motor impairment and absent language. Review status: criteria provided, single submitter. Criteria: ACMG Guidelines, 2015. Collection method: not provided. Allele origin: germline. Inheritance: Autosomal dominant inheritance. Affected: yes.

NM_138615.3(DHX30):c.2335C>T (p.Arg779Cys)

Gene: DHX30 (DExH-box helicase 30; plus strand). Cytogenetic location: 3p21.31.
Variant type: single nucleotide variant.
Coding change: c.2335C>T on transcript NM_138615.3 (MANE Select); coding-DNA position 2335, C replaced by T.
Protein change: p.Arg779Cys; replaces arginine 779 with cysteine.
Molecular consequence: missense variant.
Genome position (GRCh38, 1-based): chr3:47,848,228, C>T. VCF-style: chr3-47848228-C-T. GRCh37 (hg19) VCF-style: chr3-47889718-C-T.
Other names: c.2251C>T, p.Arg751Cys (NM_001330990.2); c.2218C>T, p.Arg740Cys (NM_014966.4); short protein forms R740C, R751C, R779C.
Identifiers: ClinVar variation 2576568 (VCV002576568.3), dbSNP rs2549297082, ClinGen allele CA352590296.